The following is an entry in ClinVar:

ClinVar aggregate classification (germline): Uncertain significance (1 of 4 stars; one submission).

Conditions:
Hereditary cancer-predisposing syndrome. Also called: Neoplastic Syndromes, Hereditary; Tumor predisposition; Hereditary neoplastic syndrome; Hereditary Cancer Syndrome. Identifiers: Orphanet 140162, MedGen C0027672, MeSH D009386, MONDO:0015356.

Submission:

Ambry Genetics
Classification: Uncertain significance for Hereditary cancer-predisposing syndrome. Last evaluated: 2025-05-28. Review status: criteria provided, single submitter. Criteria: Ambry Variant Classification Scheme 2023. Collection method: clinical testing. Allele origin: germline.
Comment: The p.Q150P variant (also known as c.449A>C), located in coding exon 1 of the HOXB13 gene, results from an A to C substitution at nucleotide position 449. The glutamine at codon 150 is replaced by proline, an amino acid with similar properties. This amino acid position is not well conserved in available vertebrate species. In addition, the in silico prediction for this alteration is inconclusive. Based on the available evidence, the clinical significance of this variant remains unclear.

NM_006361.6(HOXB13):c.449A>C (p.Gln150Pro)

Gene: HOXB13 (homeobox B13; minus strand). Cytogenetic location: 17q21.32.
Variant type: single nucleotide variant.
Coding change: c.449A>C on transcript NM_006361.6 (MANE Select); coding-DNA position 449, A replaced by C.
Protein change: p.Gln150Pro; replaces glutamine 150 with proline.
Molecular consequence: missense variant.
Genome position (GRCh38, 1-based): chr17:48,728,145, T>G on the plus strand (A>C on the coding strand, the complement: HOXB13 is on the minus strand). VCF-style: chr17-48728145-T-G. GRCh37 (hg19) VCF-style: chr17-46805507-T-G.
Other names: short protein forms Q150P.
Identifiers: ClinVar variation 4035958 (VCV004035958.1).